The following is an entry in ClinVar:

ClinVar aggregate classification (germline): Benign/Likely benign. Review status: criteria provided, multiple submitters, no conflicts (2 of 4 stars). 4 submissions from 4 submitters: Benign (1); Likely benign (2). 1 of the submissions does not count toward it. Last evaluated 2026-01-26.

Conditions:
Cardiovascular phenotype. Identifiers: MedGen CN230736.
Long QT syndrome (LQTS). Identifiers: MedGen C0023976, MeSH D008133, MONDO:0002442. Disease mechanism: loss of function. Inheritance: Various modes of inheritance.
CACNA1C-related disorder. Also called: CACNA1C-related disorders; CACNA1C-related condition. Identifiers: MONDO:0700321, MedGen CN381092.

Allele frequency attached by ClinVar (database versions not stated): gnomAD 0.00004 and 0.00006; gnomAD exomes 0.00014 and 0.00005; ExAC 0.00020; TOPMed 0.00011.
gnomAD v4.1: 86 of 1,581,408 alleles (0.0054%); highest among the groups gnomAD compares: East Asian, 0.11%; no homozygotes.

Submissions (4):

Labcorp Genetics (formerly Invitae), Labcorp
Classification: Likely benign for Long QT syndrome. Last evaluated: 2026-01-26. Review status: criteria provided, single submitter. Criteria: Invitae Variant Classification Sherloc (09022015). Collection method: clinical testing. Allele origin: germline.

Ambry Genetics
Classification: Likely benign for Cardiovascular phenotype. Last evaluated: 2019-06-06. Review status: criteria provided, single submitter. Criteria: Ambry Variant Classification Scheme 2023. Collection method: clinical testing. Allele origin: germline.

GeneDx
Classification: Benign. Last evaluated: 2015-04-07. Review status: criteria provided, single submitter. Criteria: GeneDx Variant Classification (06012015). Collection method: clinical testing. Allele origin: germline. Affected: yes.
Comment: This variant is considered likely benign or benign based on one or more of the following criteria: it is a conservative change, it occurs at a poorly conserved position in the protein, it is predicted to be benign by multiple in silico algorithms, and/or has population frequency not consistent with disease.

PreventionGenetics, part of Exact Sciences
Classification: Likely benign for CACNA1C-related condition. Last evaluated: 2023-01-05. Review status: no assertion criteria provided. Collection method: clinical testing. Allele origin: germline. Not counted in ClinVar's aggregate classification.
Comment: This variant is classified as likely benign based on ACMG/AMP sequence variant interpretation guidelines (Richards et al. 2015 PMID: 25741868, with internal and published modifications).

NM_000719.7(CACNA1C):c.1674G>A (p.Thr558=)

Gene: CACNA1C (calcium voltage-gated channel subunit alpha1 C; plus strand). Cytogenetic location: 12p13.33.
Variant type: single nucleotide variant.
Coding change: c.1674G>A on transcript NM_000719.7 (MANE Select); coding-DNA position 1674, G replaced by A.
Protein change: p.Thr558=; no amino-acid change (threonine 558 retained).
Molecular consequence: synonymous variant.
Genome position (GRCh38, 1-based): chr12:2,567,573, G>A. VCF-style: chr12-2567573-G-A. GRCh37 (hg19) VCF-style: chr12-2676739-G-A.
Other names: c.1674G>A, p.Thr558= (NM_001129827.2, NM_001129829.2, NM_001129830.3 and 18 more transcripts); c.1665G>A, p.Thr555= (NM_001129844.2).
Identifiers: ClinVar variation 377604 (VCV000377604.14), dbSNP rs781180544, ClinGen allele CA6388842.